The following is an entry in ClinVar:

NM_012144.4(DNAI1):c.1913A>G (p.Asn638Ser)

Gene: DNAI1 (dynein axonemal intermediate chain 1; plus strand). Cytogenetic location: 9p13.3.
Variant type: single nucleotide variant.
Coding change: c.1913A>G on transcript NM_012144.4 (MANE Select); coding-DNA position 1913, A replaced by G.
Protein change: p.Asn638Ser; replaces asparagine 638 with serine.
Molecular consequence: missense variant.
Genome position (GRCh38, 1-based): chr9:34,517,379, A>G. VCF-style: chr9-34517379-A-G. GRCh37 (hg19) VCF-style: chr9-34517377-A-G.
Other names: c.1913A>G (NM_012144.2); c.1925A>G, p.Asn642Ser (NM_001281428.2); short protein forms N638S, N642S.
Identifiers: ClinVar variation 366694 (VCV000366694.18), dbSNP rs201773877, ClinGen allele CA5034578.

ClinVar aggregate classification (germline): Uncertain significance. Review status: criteria provided, multiple submitters, no conflicts (2 of 4 stars). 6 submissions from 6 submitters: Uncertain significance (5). 1 of the submissions does not count toward it. Last evaluated 2024-10-03.

Conditions:
Primary ciliary dyskinesia. Also called: Ciliary dyskinesia. Identifiers: Orphanet 244, MedGen C0008780, MONDO:0016575, HP:0012265.
Kartagener syndrome (CILD1). Also called: CILIARY DYSKINESIA, PRIMARY, 1, WITH OR WITHOUT SITUS INVERSUS; IMMOTILE CILIA SYNDROME; SIEWERT SYNDROME; POLYNESIAN BRONCHIECTASIS; CILIARY DYSKINESIA, PRIMARY, 1; Dextrocardia bronchiectasis and sinusitis. Identifiers: Orphanet 244, MedGen C4551906, MONDO:0009484, OMIM 244400.

Allele frequency attached by ClinVar (database versions not stated): ExAC 0.00004; gnomAD 0.00004; TOPMed 0.00009.
gnomAD v4.1: 133 of 1,614,062 alleles (0.0082%); highest among the groups gnomAD compares: Non-Finnish European, 0.01%; no homozygotes.

Submissions (6):

Ambry Genetics
Classification: Uncertain significance for Primary ciliary dyskinesia. Last evaluated: 2024-10-03. Review status: criteria provided, single submitter. Criteria: Ambry Variant Classification Scheme 2023. Collection method: clinical testing. Allele origin: germline.

Labcorp Genetics (formerly Invitae), Labcorp
Classification: Uncertain significance for Primary ciliary dyskinesia. Last evaluated: 2021-09-01. Review status: criteria provided, single submitter. Criteria: Invitae Variant Classification Sherloc (09022015). Collection method: clinical testing. Allele origin: germline.
Comment: This sequence change replaces asparagine with serine at codon 638 of the DNAI1 protein (p.Asn638Ser). The asparagine residue is moderately conserved and there is a small physicochemical difference between asparagine and serine. This variant is present in population databases (rs201773877, ExAC 0.01%). This variant has not been reported in the literature in individuals affected with DNAI1-related conditions. ClinVar contains an entry for this variant (Variation ID: 366694). Algorithms developed to predict the effect of missense changes on protein structure and function are either unavailable or do not agree on the potential impact of this missense change (SIFT: "Tolerated"; PolyPhen-2: "Probably Damaging"; Align-GVGD: "Class C0"). In summary, the available evidence is currently insufficient to determine the role of this variant in disease. Therefore, it has been classified as a Variant of Uncertain Significance.

Fulgent Genetics
Classification: Uncertain significance for Kartagener syndrome. Last evaluated: 2021-07-06. Review status: criteria provided, single submitter. Criteria: ACMG Guidelines, 2015. Collection method: clinical testing. Allele origin: unknown.

Eurofins Ntd Llc (ga)
Classification: Uncertain significance. Last evaluated: 2018-04-24. Review status: criteria provided, single submitter. Criteria: EGL ClinVar v180209 classification definitions. Collection method: clinical testing. Allele origin: germline. Observed: 1 variant allele, 1 heterozygote.

Illumina Laboratory Services, Illumina
Classification: Uncertain significance for Kartagener syndrome. Last evaluated: 2018-01-13. Review status: criteria provided, single submitter. Criteria: ICSL Variant Classification Criteria 13 December 2019. Collection method: clinical testing. Allele origin: germline.

Natera, Inc.
Classification: Uncertain significance for Primary ciliary dyskinesia. Last evaluated: 2020-03-30. Review status: no assertion criteria provided. Collection method: clinical testing. Allele origin: germline. Not counted in ClinVar's aggregate classification.